The following is an entry in ClinVar:

ClinVar aggregate classification (germline): Uncertain significance. Review status: criteria provided, multiple submitters, no conflicts (2 of 4 stars). 2 submissions from 2 submitters: Uncertain significance (2). Last evaluated 2025-06-06.

Conditions:
Progressive sclerosing poliodystrophy (MTDPS4A). Also called: NEURONAL DEGENERATION OF CHILDHOOD WITH LIVER DISEASE, PROGRESSIVE; Alpers Syndrome; ALPERS DIFFUSE DEGENERATION OF CEREBRAL GRAY MATTER WITH HEPATIC CIRRHOSIS; Alpers-Huttenlocher Syndrome; Mitochondrial DNA Depletion Syndrome 4A; Alpers-Huttenlocher Syndrome (AHS). Identifiers: Orphanet 726, MedGen C0205710, MONDO:0008758, OMIM 203700.

Submissions (2):

Mayo Clinic Laboratories, Mayo Clinic
Classification: Uncertain significance. Last evaluated: 2025-06-06. Review status: criteria provided, single submitter. Criteria: ACMG Guidelines, 2015. Collection method: clinical testing. Allele origin: germline. Observed: 1 variant allele.
Comment: PP3_strong, PM2_supporting

Labcorp Genetics (formerly Invitae), Labcorp
Classification: Uncertain significance for Progressive sclerosing poliodystrophy. Last evaluated: 2023-07-17. Review status: criteria provided, single submitter. Criteria: Invitae Variant Classification Sherloc (09022015). Collection method: clinical testing. Allele origin: germline.
Comment: Advanced modeling of protein sequence and biophysical properties (such as structural, functional, and spatial information, amino acid conservation, physicochemical variation, residue mobility, and thermodynamic stability) performed at Invitae indicates that this missense variant is expected to disrupt POLG protein function. In summary, the available evidence is currently insufficient to determine the role of this variant in disease. Therefore, it has been classified as a Variant of Uncertain Significance. ClinVar contains an entry for this variant (Variation ID: 1720309). This variant has not been reported in the literature in individuals affected with POLG-related conditions. This variant is not present in population databases (gnomAD no frequency). This sequence change replaces alanine, which is neutral and non-polar, with valine, which is neutral and non-polar, at codon 1150 of the POLG protein (p.Ala1150Val).

NM_002693.3(POLG):c.3449C>T (p.Ala1150Val)

Gene: POLG (DNA polymerase gamma, catalytic subunit; minus strand). Cytogenetic location: 15q26.1.
Variant type: single nucleotide variant.
Coding change: c.3449C>T on transcript NM_002693.3 (MANE Select); coding-DNA position 3449, C replaced by T.
Protein change: p.Ala1150Val; replaces alanine 1150 with valine.
Molecular consequence: missense variant.
Genome position (GRCh38, 1-based): chr15:89,318,574, G>A on the plus strand (C>T on the coding strand, the complement: POLG is on the minus strand). VCF-style: chr15-89318574-G-A. GRCh37 (hg19) VCF-style: chr15-89861805-G-A.
Other names: p.Ala1150Val; c.3449C>T, p.Ala1150Val (NM_001126131.2); short protein forms A1150V.
Identifiers: ClinVar variation 1720309 (VCV001720309.7), dbSNP rs2509201951, ClinGen allele CA393749708.